The following is an entry in ClinVar:

ClinVar aggregate classification (germline): Uncertain significance (1 of 4 stars; one submission).

Conditions:
Loeys-Dietz syndrome (LDS). Identifiers: Orphanet 60030, MedGen C2697932, MONDO:0018954.

Submission:

All of Us Research Program, National Institutes of Health
Classification: Uncertain significance for Loeys-Dietz syndrome. Last evaluated: 2024-04-16. Review status: criteria provided, single submitter. Criteria: ACMG Guidelines, 2015. Collection method: clinical testing. Allele origin: germline. Inheritance: Autosomal dominant inheritance. Observed: 1 variant allele, 1 heterozygote.
Comment: This missense variant replaces leucine with phenylalanine at codon 143 of the TGFBR1 protein. Computational prediction suggests that this variant may not impact protein structure and function (internally defined REVEL score threshold <= 0.5, PMID: 27666373). To our knowledge, functional studies have not been reported for this variant. This variant has not been reported in individuals affected with TGFBR1-related disorders in the literature. This variant has not been identified in the general population by the Genome Aggregation Database (gnomAD). The available evidence is insufficient to determine the role of this variant in disease conclusively. Therefore, this variant is classified as a Variant of Uncertain Significance.

This study involves interpretation of variants in research participants for the purpose of population health screening. Participant phenotype was not available at the time of variant classification. Additional details can be found in publication PMID: 35346344, PMCID: PMC8962531

NM_004612.4(TGFBR1):c.429G>T (p.Leu143Phe)

Gene: TGFBR1 (transforming growth factor beta receptor 1; plus strand). Cytogenetic location: 9q22.33.
Variant type: single nucleotide variant.
Coding change: c.429G>T on transcript NM_004612.4 (MANE Select); coding-DNA position 429, G replaced by T.
Protein change: p.Leu143Phe; replaces leucine 143 with phenylalanine.
Molecular consequence: missense variant. On other transcripts: non-coding transcript variant (4), intron variant (3).
Genome position (GRCh38, 1-based): chr9:99,132,594, G>T. VCF-style: chr9-99132594-G-T. GRCh37 (hg19) VCF-style: chr9-101894876-G-T.
Other names: c.441G>T, p.Leu147Phe (NM_001306210.2, NM_001407416.1); c.429G>T, p.Leu143Phe (NM_001407417.1, NM_001407435.1); c.234G>T, p.Leu78Phe (NM_001407418.1, NM_001407419.1, NM_001407420.1 and 1 more transcripts); c.222G>T, p.Leu74Phe (NM_001407423.1, NM_001407424.1, NM_001407425.1 and 8 more transcripts); c.183G>T, p.Leu61Phe (NM_001407436.1); c.343+3494G>T (NM_001130916.3); c.98-5265G>T (NM_001407438.1); c.98-9942G>T (NM_001407437.1); short protein forms L143F, L147F, L61F, L74F, L78F.
Identifiers: ClinVar variation 3386040 (VCV003386040.1).